The following is an entry in ClinVar:

ClinVar aggregate classification (germline): Likely benign (1 of 4 stars; one submission).

Conditions:
CHD8-related disorder. Also called: CHD8-related disorders; CHD8-related condition.

Submission:

PreventionGenetics, part of Exact Sciences
Classification: Likely benign for CHD8-related condition. Last evaluated: 2024-10-30. Review status: criteria provided, single submitter. Criteria: ACMG Guidelines, 2015. Collection method: clinical testing. Allele origin: germline.
Comment: This variant is classified as likely benign based on ACMG/AMP sequence variant interpretation guidelines (Richards et al. 2015 PMID: 25741868, with internal and published modifications).

NM_001170629.2(CHD8):c.4197T>G (p.Pro1399=)

Gene: CHD8 (chromodomain helicase DNA binding protein 8; minus strand). Cytogenetic location: 14q11.2.
Variant type: single nucleotide variant.
Coding change: c.4197T>G on transcript NM_001170629.2 (MANE Select); coding-DNA position 4197, T replaced by G.
Protein change: p.Pro1399=; no amino-acid change (proline 1399 retained).
Molecular consequence: synonymous variant.
Genome position (GRCh38, 1-based): chr14:21,401,048, A>C on the plus strand (T>G on the coding strand, the complement: CHD8 is on the minus strand). VCF-style: chr14-21401048-A-C. GRCh37 (hg19) VCF-style: chr14-21869207-A-C.
Other names: c.3360T>G, p.Pro1120= (NM_020920.4).
Identifiers: ClinVar variation 4984056 (VCV004984056.1).
Genomic context (GRCh38, chr14:21,401,048, plus strand): 5'-GAATTCCACCAGGTCATCATCTTTCAGAGTGCTAAAGTGGCGCGTTTGTTTTCGTACTCT[A>C]GGTGTGTCAATTACCAAATTATTCTATGAAGAGAACAGAAGGAGAAGTAATTCTCTTCCT-3'
Protein context (NP_001164100.1, residues 1389-1409): NSKNNLVIDT[Pro1399=]RVRKQTRHFS